The following is an entry in ClinVar:

NM_001377142.1(PLCB4):c.1220C>T (p.Ser407Phe)

Gene: PLCB4 (phospholipase C beta 4; plus strand). Cytogenetic location: 20p12.2.
Variant type: single nucleotide variant.
Coding change: c.1220C>T on transcript NM_001377142.1 (MANE Select); coding-DNA position 1220, C replaced by T.
Protein change: p.Ser407Phe; replaces serine 407 with phenylalanine.
Molecular consequence: missense variant.
Genome position (GRCh38, 1-based): chr20:9,389,940, C>T. VCF-style: chr20-9389940-C-T. GRCh37 (hg19) VCF-style: chr20-9370587-C-T.
Other names: c.1220C>T, p.Ser407Phe (NM_000933.4, NM_001172646.2, NM_001377134.2 and 4 more transcripts); short protein forms S407F.
Identifiers: ClinVar variation 3637680 (VCV003637680.2).

ClinVar aggregate classification (germline): Uncertain significance (1 of 4 stars; one submission).

Submission:

Labcorp Genetics (formerly Invitae), Labcorp
Classification: Uncertain significance. Last evaluated: 2024-08-17. Review status: criteria provided, single submitter. Criteria: Invitae Variant Classification Sherloc (09022015). Collection method: clinical testing. Allele origin: germline.
Comment: This sequence change replaces serine, which is neutral and polar, with phenylalanine, which is neutral and non-polar, at codon 407 of the PLCB4 protein (p.Ser407Phe). This variant is not present in population databases (gnomAD no frequency). This variant has not been reported in the literature in individuals affected with PLCB4-related conditions. Invitae Evidence Modeling of protein sequence and biophysical properties (such as structural, functional, and spatial information, amino acid conservation, physicochemical variation, residue mobility, and thermodynamic stability) has been performed for this missense variant. However, the output from this modeling did not meet the statistical confidence thresholds required to predict the impact of this variant on PLCB4 protein function. In summary, the available evidence is currently insufficient to determine the role of this variant in disease. Therefore, it has been classified as a Variant of Uncertain Significance.